The following is an entry in ClinVar:

ClinVar aggregate classification (germline): Benign. Review status: criteria provided, multiple submitters, no conflicts (2 of 4 stars). 5 submissions from 5 submitters: Benign (5). Last evaluated 2026-02-03.

Submissions (5):

Labcorp Genetics (formerly Invitae), Labcorp
Classification: Benign. Last evaluated: 2026-02-03. Review status: criteria provided, single submitter. Criteria: Invitae Variant Classification Sherloc (09022015). Collection method: clinical testing. Allele origin: germline.

ARUP Laboratories, Molecular Genetics and Genomics, ARUP Laboratories
Classification: Benign. Last evaluated: 2025-07-31. Review status: criteria provided, single submitter. Criteria: ARUP Molecular Germline Variant Investigation Process 2024. Collection method: clinical testing. Allele origin: germline.

Blueprint Genetics
Classification: Benign. Last evaluated: 2024-11-27. Review status: criteria provided, single submitter. Criteria: ACMG Guidelines, 2015. Collection method: clinical testing. Allele origin: germline.

GeneDx
Classification: Benign. Last evaluated: 2019-10-05. Review status: criteria provided, single submitter. Criteria: GeneDx Variant Classification Process June 2021. Collection method: clinical testing. Allele origin: germline. Affected: yes.
Comment: This variant is associated with the following publications: (PMID: 31670187)

Mayo Clinic Laboratories, Mayo Clinic
Classification: Benign. Last evaluated: 2016-04-27. Review status: criteria provided, single submitter. Criteria: ACMG Guidelines, 2015. Collection method: clinical testing. Allele origin: germline. Observed: 383 variant alleles.

NM_001142864.4(PIEZO1):c.2233CAG[4] (p.Gln749del)

Genes: HSALR1 (HSP90AB1 associated lncRNA 1; plus strand), PIEZO1 (piezo type mechanosensitive ion channel component 1 (Er blood group); minus strand). Cytogenetic location: 16q24.3.
Variant type: Microsatellite.
Coding change: c.2233CAG[4] on transcript NM_001142864.4 (MANE Select); four copies in a row of the 3-base unit CAG starting at c.2233; the reference has five copies in a row; one copy, 3 bases deleted; also written c.2245_2247del.
Protein change: p.Gln749del; deletes glutamine 749.
Molecular consequence: inframe deletion.
Genome position (GRCh38, 1-based): chr16:88,733,988-88,733,990, CTG deleted on the plus strand (CAG on the coding strand, the reverse complement: PIEZO1 is on the minus strand); deleting any 3 consecutive bases within chr16:88,733,988-88,734,002 gives the same sequence; the position shown is the placement nearest the transcript's 3' end. VCF-style (leftmost placement, unchanged base first): chr16-88733987-CCTG-C. GRCh37 (hg19) VCF-style: chr16-88800395-CCTG-C.
Other names: c.2245_2247del (NM_001142864.4); c.2245_2247delCAG (NM_001142864.2); short protein forms Q749del.
Identifiers: ClinVar variation 618782 (VCV000618782.27), dbSNP rs144777557, ClinGen allele CA8232831.
Genomic context (GRCh38, chr16:88,733,987, plus strand): 5'-GGTGGGGAGTGGCCACGCCCAGCCCCTCGTCCCTGGAGTCCTCCTCCTCCTCCTCCTCCT[CCTG>C]CTGCTGCTGCTGATGCTCCTGCTGCTCCTCCCGCAGCAGTGGGGTCCCACTCACTGCATC-3'